The following is an entry in ClinVar:

NM_000088.4(COL1A1):c.859-5_859-2dup

Genes: COL1A1 (collagen type I alpha 1 chain; minus strand), LOC126862586 (CDK7 strongly-dependent group 2 enhancer GRCh37_chr17:48273702-48274901; plus strand). Cytogenetic location: 17q21.33.
Variant type: Duplication.
Coding change: c.859-5_859-2dup on transcript NM_000088.4 (MANE Select); 5 bases into the intron before coding-DNA position 859 through the canonical splice acceptor site of the intron before coding-DNA position 859, 4 bases duplicated (TACA; older notation c.859-5_859-2dupTACA).
Molecular consequence: splice acceptor variant.
Genome position (GRCh38, 1-based): chr17:50,196,530-50,196,533, TGTA duplicated on the plus strand (TACA on the coding strand, the reverse complement: COL1A1 is on the minus strand). VCF-style (leftmost placement, unchanged base first): chr17-50196529-C-CTGTA. GRCh37 (hg19) VCF-style: chr17-48273890-C-CTGTA.
Identifiers: ClinVar variation 3712597 (VCV003712597.2).

ClinVar aggregate classification (germline): Uncertain significance (1 of 4 stars; one submission).

Conditions:
Osteogenesis imperfecta type I (OI1). Also called: OI, TYPE I; OSTEOGENESIS IMPERFECTA TARDA; OSTEOGENESIS IMPERFECTA WITH BLUE SCLERAE; Osteogenesis imperfecta type 1; Lobstein's Disease; Lobstein disease. Identifiers: Orphanet 216796, Orphanet 666, MedGen C0023931, MONDO:0008146, OMIM 166200. Disease mechanism: loss of function.

Submission:

Labcorp Genetics (formerly Invitae), Labcorp
Classification: Uncertain significance for Osteogenesis imperfecta type I. Last evaluated: 2025-02-11. Review status: criteria provided, single submitter. Criteria: Invitae Variant Classification Sherloc (09022015). Collection method: clinical testing. Allele origin: germline.
Comment: This sequence change falls in intron 12 of the COL1A1 gene. It does not directly change the encoded amino acid sequence of the COL1A1 protein. This variant is not present in population databases (gnomAD no frequency). This variant has not been reported in the literature in individuals affected with COL1A1-related conditions. Experimental studies and prediction algorithms are not available or were not evaluated, and the effect of this variant on mRNA splicing is currently unknown. In summary, the available evidence is currently insufficient to determine the role of this variant in disease. Therefore, it has been classified as a Variant of Uncertain Significance.